The following is an entry in ClinVar:

NM_002474.3(MYH11):c.346-7_346-4del

Gene: MYH11 (myosin heavy chain 11; minus strand). Cytogenetic location: 16p13.11.
Variant type: Microsatellite.
Coding change: c.346-7_346-4del on transcript NM_002474.3 (MANE Select); 7 bases into the intron before coding-DNA position 346 through 4 bases into the intron before coding-DNA position 346, 4 bases deleted (TCTG; older notation c.346-7_346-4delTCTG).
Molecular consequence: intron variant.
Genome position (GRCh38, 1-based): chr16:15,823,415-15,823,418, CAGA deleted on the plus strand (TCTG on the coding strand, the reverse complement: MYH11 is on the minus strand); deleting any 4 consecutive bases within chr16:15,823,415-15,823,422 gives the same sequence; the c. name uses the placement nearest the transcript's 3' end. VCF-style (leftmost placement, unchanged base first): chr16-15823414-GCAGA-G. GRCh37 (hg19) VCF-style: chr16-15917271-GCAGA-G.
Other names: c.346-7_346-4del (NM_022844.3, NM_001040114.2, NM_001040113.2).
Identifiers: ClinVar variation 3072269 (VCV003072269.2), dbSNP rs771910669, ClinGen allele CA7923066.

ClinVar aggregate classification (germline): Conflicting classifications of pathogenicity. Review status: criteria provided, conflicting classifications (1 of 4 stars). 2 submissions from 2 submitters: Uncertain significance (1); Likely benign (1). Last evaluated 2025-03-10.

Conditions:
Aortic aneurysm, familial thoracic 4 (AAT4). Also called: AORTIC ANEURYSM/AORTIC DISSECTION AND PATENT DUCTUS ARTERIOSUS. Identifiers: MedGen C1851504, MONDO:0007568, OMIM 132900.
Familial thoracic aortic aneurysm and aortic dissection (TAAD). Also called: Thoracic aortic aneurysms and dissections. Identifiers: Orphanet 91387, MedGen C4707243, MONDO:0019625.

Submissions (2):

Labcorp Genetics (formerly Invitae), Labcorp
Classification: Likely benign for Aortic aneurysm, familial thoracic 4. Last evaluated: 2025-03-10. Review status: criteria provided, single submitter. Criteria: Invitae Variant Classification Sherloc (09022015). Collection method: clinical testing. Allele origin: germline.

All of Us Research Program, National Institutes of Health
Classification: Uncertain significance for Familial thoracic aortic aneurysm and aortic dissection. Last evaluated: 2023-06-26. Review status: criteria provided, single submitter. Criteria: ACMG Guidelines, 2015. Collection method: clinical testing. Allele origin: germline. Inheritance: Autosomal dominant inheritance. Observed: 1 variant allele, 1 heterozygote.
Comment: This variant causes a deletion of four nucleotides in intron 2 of the MYH11 gene. Splice site prediction tools are inconclusive regarding the impact of this variant on RNA splicing. To our knowledge, functional studies have not been reported for this variant. This variant has not been reported in individuals affected with MYH11-related disorders in the literature. This variant has been identified in 1/251464 chromosomes in the general population by the Genome Aggregation Database (gnomAD). The available evidence is insufficient to determine the role of this variant in disease conclusively. Therefore, this variant is classified as a Variant of Uncertain Significance.

This study involves interpretation of variants in research participants for the purpose of population health screening. Participant phenotype was not available at the time of variant classification. Additional details can be found in publication PMID: 35346344, PMCID: PMC8962531